The following is an entry in ClinVar:

ClinVar aggregate classification (germline): Uncertain significance (1 of 4 stars; one submission).

Submission:

Labcorp Genetics (formerly Invitae), Labcorp
Classification: Uncertain significance. Last evaluated: 2025-12-19. Review status: criteria provided, single submitter. Criteria: Invitae Variant Classification Sherloc (09022015). Collection method: clinical testing. Allele origin: germline.
Comment: This variant, c.114_125dup, results in the insertion of 4 amino acid(s) of the PPP2R5D protein (p.Pro44_Gln47dup), but otherwise preserves the integrity of the reading frame. This variant is present in population databases (rs761162230, gnomAD 0.01%). This variant has not been reported in the literature in individuals affected with PPP2R5D-related conditions. ClinVar contains an entry for this variant (Variation ID: 1502848). Experimental studies and prediction algorithms are not available or were not evaluated, and the functional significance of this variant is currently unknown. In summary, the available evidence is currently insufficient to determine the role of this variant in disease. Therefore, it has been classified as a Variant of Uncertain Significance.

NM_006245.4(PPP2R5D):c.114_125dup (p.38PQ[7])

Gene: PPP2R5D (protein phosphatase 2 regulatory subunit B'delta; plus strand). Cytogenetic location: 6p21.1.
Variant type: Duplication.
Coding change: c.114_125dup on transcript NM_006245.4 (MANE Select); coding-DNA positions 114 to 125, 12 bases duplicated (GCAGCCCCAGCC).
Protein change: p.38PQ[7].
Molecular consequence: inframe insertion. On other transcripts: 5 prime UTR variant (1), intron variant (1).
Genome position (GRCh38, 1-based): chr6:43,006,471-43,006,482, GCAGCCCCAGCC duplicated; duplicating any 12 consecutive bases within chr6:43,006,464-43,006,482 gives the same sequence; the c. name uses the placement nearest the transcript's 3' end. VCF-style (leftmost placement, unchanged base first): chr6-43006463-G-GCCCAGCCGCAGC. GRCh37 (hg19) VCF-style: chr6-42974201-G-GCCCAGCCGCAGC.
Other names: c.-340_-329dup (NM_001270476.2); c.114_125dup, p.38PQ[7] (NM_180976.3); c.28-463_28-452dup (NM_180977.3).
Identifiers: ClinVar variation 1502848 (VCV001502848.8), dbSNP rs1554131617, ClinGen allele CA3811748.